The following is an entry in ClinVar:

NM_001371986.1(UNC80):c.4715G>A (p.Ser1572Asn)

Gene: UNC80 (unc-80 subunit of NALCN channel complex; plus strand). Cytogenetic location: 2q34.
Variant type: single nucleotide variant.
Coding change: c.4715G>A on transcript NM_001371986.1 (MANE Select); coding-DNA position 4715, G replaced by A.
Protein change: p.Ser1572Asn; replaces serine 1572 with asparagine.
Molecular consequence: missense variant.
Genome position (GRCh38, 1-based): chr2:209,904,898, G>A. VCF-style: chr2-209904898-G-A. GRCh37 (hg19) VCF-style: chr2-210769622-G-A.
Other names: c.4517G>A, p.Ser1506Asn (NM_032504.2); c.4502G>A, p.Ser1501Asn (NM_182587.4); short protein forms S1572N, S1501N, S1506N.
Identifiers: ClinVar variation 2095001 (VCV002095001.4), dbSNP rs2471105868, ClinGen allele CA350755478.

ClinVar aggregate classification (germline): Uncertain significance (1 of 4 stars; one submission).

Submission:

Labcorp Genetics (formerly Invitae), Labcorp
Classification: Uncertain significance. Last evaluated: 2022-02-08. Review status: criteria provided, single submitter. Criteria: Invitae Variant Classification Sherloc (09022015). Collection method: clinical testing. Allele origin: germline.
Comment: In summary, the available evidence is currently insufficient to determine the role of this variant in disease. Therefore, it has been classified as a Variant of Uncertain Significance. This sequence change replaces serine, which is neutral and polar, with asparagine, which is neutral and polar, at codon 1506 of the UNC80 protein (p.Ser1506Asn). This variant is not present in population databases (gnomAD no frequency). This variant has not been reported in the literature in individuals affected with UNC80-related conditions. Algorithms developed to predict the effect of missense changes on protein structure and function are either unavailable or do not agree on the potential impact of this missense change (SIFT: "Not Available"; PolyPhen-2: "Benign"; Align-GVGD: "Not Available").